The following is an entry in ClinVar:

ClinVar aggregate classification (germline): Likely pathogenic. Review status: criteria provided, single submitter (1 of 4 stars). 2 submissions from 2 submitters: Likely pathogenic (1). 1 of the submissions does not count toward it. Last evaluated 2025-02-16.

Conditions:
Autism (AUTS). Also called: Autistic disorder; Autistic disorder of childhood onset. Identifiers: MedGen C0004352, MeSH D001321, MONDO:0005260, OMIM 209850, HP:0000717.

gnomAD v4.1: 2 of 1,606,988 alleles (0.00012%); highest among the groups gnomAD compares: East Asian, 0.0023%; no homozygotes.

Submissions (2):

Laboratory of Genetics, Children's Clinical University Hospital Latvia
Classification: Likely pathogenic. Last evaluated: 2025-02-16. Review status: criteria provided, single submitter. Criteria: ACMG Guidelines, 2015. Collection method: clinical testing. Allele origin: germline. Affected: yes.

Centre for Addiction & Mental Health
Classification: Pathogenic for Autism. Review status: no assertion criteria provided. Collection method: research. Allele origin: biparental. Affected: yes. Observed: 1 homozygote. Segregation with disease observed. Not counted in ClinVar's aggregate classification.
Comment: Loss-of-function variant, biallelic, in known autosomal recessive disease gene

NM_001271838.2(RSRC1):c.109C>T (p.Arg37Ter)

Gene: RSRC1 (arginine and serine rich coiled-coil 1; plus strand). Cytogenetic location: 3q25.32.
Variant type: single nucleotide variant.
Coding change: c.109C>T on transcript NM_001271838.2 (MANE Select); coding-DNA position 109, C replaced by T.
Protein change: p.Arg37Ter; replaces arginine 37 with a stop codon.
Molecular consequence: nonsense.
Genome position (GRCh38, 1-based): chr3:158,122,213, C>T. VCF-style: chr3-158122213-C-T. GRCh37 (hg19) VCF-style: chr3-157840002-C-T.
Other names: c.109C>T, p.Arg37Ter (NM_001271834.2, NM_016625.4); short protein forms R37*.
Identifiers: ClinVar variation 3338217 (VCV003338217.3).